The following is an entry in ClinVar:

NM_002227.4(JAK1):c.1148G>C (p.Ser383Thr)

Gene: JAK1 (Janus kinase 1; minus strand). Cytogenetic location: 1p31.3.
Variant type: single nucleotide variant.
Coding change: c.1148G>C on transcript NM_002227.4 (MANE Select); coding-DNA position 1148, G replaced by C.
Protein change: p.Ser383Thr; replaces serine 383 with threonine.
Molecular consequence: missense variant.
Genome position (GRCh38, 1-based): chr1:64,864,815, C>G on the plus strand (G>C on the coding strand, the complement: JAK1 is on the minus strand). VCF-style: chr1-64864815-C-G. GRCh37 (hg19) VCF-style: chr1-65330498-C-G.
Other names: c.1148G>C (NM_002227.2); c.1148G>C, p.Ser383Thr (NM_001320923.2, NM_001321852.2, NM_001321853.2 and 4 more transcripts); short protein forms S383T.
Identifiers: ClinVar variation 2989547 (VCV002989547.4), dbSNP rs1472237426, ClinGen allele CA340673265.

ClinVar aggregate classification (germline): Uncertain significance. Review status: criteria provided, multiple submitters, no conflicts (2 of 4 stars). 2 submissions from 2 submitters: Uncertain significance (2). Last evaluated 2025-12-23.

Conditions:
Inborn genetic diseases. Identifiers: MedGen C0950123, MeSH D030342.

Allele frequency attached by ClinVar (database versions not stated): TOPMed below 0.00001; gnomAD 0.00001; gnomAD exomes 0.00001.
gnomAD v4.1: 16 of 1,613,242 alleles (0.00099%); highest among the groups gnomAD compares: Non-Finnish European, 0.0014%; no homozygotes.

Submissions (2):

Labcorp Genetics (formerly Invitae), Labcorp
Classification: Uncertain significance. Last evaluated: 2025-12-23. Review status: criteria provided, single submitter. Criteria: Invitae Variant Classification Sherloc (09022015). Collection method: clinical testing. Allele origin: germline.
Comment: This sequence change replaces serine, which is neutral and polar, with threonine, which is neutral and polar, at codon 383 of the JAK1 protein (p.Ser383Thr). This variant is present in population databases (no rsID available, gnomAD 0.002%). This variant has not been reported in the literature in individuals affected with JAK1-related conditions. ClinVar contains an entry for this variant (Variation ID: 2989547). An algorithm developed to predict the effect of missense changes on protein structure and function (PolyPhen-2) suggests that this variant is likely to be tolerated. In summary, the available evidence is currently insufficient to determine the role of this variant in disease. Therefore, it has been classified as a Variant of Uncertain Significance.

Ambry Genetics
Classification: Uncertain significance for Inborn genetic diseases. Last evaluated: 2024-12-23. Review status: criteria provided, single submitter. Criteria: Ambry Variant Classification Scheme 2023. Collection method: clinical testing. Allele origin: germline.